The following is an entry in ClinVar:

NM_002224.4(ITPR3):c.5106G>A (p.Ser1702=)

Gene: ITPR3 (inositol 1,4,5-trisphosphate receptor type 3; plus strand). Cytogenetic location: 6p21.31.
Variant type: single nucleotide variant.
Coding change: c.5106G>A on transcript NM_002224.4 (MANE Select); coding-DNA position 5106, G replaced by A.
Protein change: p.Ser1702=; no amino-acid change (serine 1702 retained).
Molecular consequence: synonymous variant.
Genome position (GRCh38, 1-based): chr6:33,684,657, G>A. VCF-style: chr6-33684657-G-A. GRCh37 (hg19) VCF-style: chr6-33652434-G-A.
Identifiers: ClinVar variation 3387951 (VCV003387951.14).

ClinVar aggregate classification (germline): Likely benign (1 of 4 stars; one submission).

gnomAD v4.1: 40 of 1,613,950 alleles (0.0025%); highest among the groups gnomAD compares: African/African-American, 0.012%; no homozygotes.

Submission:

CeGaT Center for Human Genetics Tuebingen
Classification: Likely benign. Last evaluated: 2024-09-01. Review status: criteria provided, single submitter. Criteria: CeGaT Center For Human Genetics Tuebingen Variant Classification Criteria Version 2. Collection method: clinical testing. Allele origin: germline. Affected: yes. Observed: 1 variant allele.
Comment: ITPR3: BP4, BP7